The following is an entry in ClinVar:

NM_000256.3(MYBPC3):c.1711G>T (p.Glu571Ter)

Gene: MYBPC3 (myosin binding protein C3; minus strand). Cytogenetic location: 11p11.2.
Variant type: single nucleotide variant.
Coding change: c.1711G>T on transcript NM_000256.3 (MANE Select); coding-DNA position 1711, G replaced by T.
Protein change: p.Glu571Ter; replaces glutamic acid 571 with a stop codon.
Molecular consequence: nonsense.
Genome position (GRCh38, 1-based): chr11:47,342,070, C>A on the plus strand (G>T on the coding strand, the complement: MYBPC3 is on the minus strand). VCF-style: chr11-47342070-C-A. GRCh37 (hg19) VCF-style: chr11-47363621-C-A.
Other names: short protein forms E571*.
Identifiers: ClinVar variation 3230870 (VCV003230870.1), dbSNP rs2495761294, ClinGen allele CA380324317.

ClinVar aggregate classification (germline): Pathogenic (1 of 4 stars; one submission).

Conditions:
Cardiovascular phenotype. Identifiers: MedGen CN230736.

Submission:

Ambry Genetics
Classification: Pathogenic for Cardiovascular phenotype. Last evaluated: 2023-11-17. Review status: criteria provided, single submitter. Criteria: Ambry Variant Classification Scheme 2023. Collection method: clinical testing. Allele origin: germline.
Comment: The p.E571* pathogenic mutation (also known as c.1711G>T), located in coding exon 18 of the MYBPC3 gene, results from a G to T substitution at nucleotide position 1711. This changes the amino acid from a glutamic acid to a stop codon within coding exon 18. This variant is considered to be rare based on population cohorts in the Genome Aggregation Database (gnomAD). This alteration is expected to result in loss of function by premature protein truncation or nonsense-mediated mRNA decay. As such, this alteration is interpreted as a disease-causing mutation.